The following is an entry in ClinVar:

ClinVar aggregate classification (germline): Uncertain significance (1 of 4 stars; one submission).

Conditions:
Acute myeloid leukemia (AML). Also called: Acute myeloid leukemia, adult; AML adult; Acute non-lymphocytic leukemia; Acute granulocytic leukemia; Leukemia, acute myeloid, somatic; Leukemia, acute myelogenous, somatic. Identifiers: Orphanet 519, MedGen C0023467, MeSH D015470, MONDO:0018874, OMIM 601626, HP:0004808. Disease mechanism: Constitutively activated FLT3.

Submission:

Labcorp Genetics (formerly Invitae), Labcorp
Classification: Uncertain significance for Acute myeloid leukemia. Last evaluated: 2018-09-19. Review status: criteria provided, single submitter. Criteria: Invitae Variant Classification Sherloc (09022015). Collection method: clinical testing. Allele origin: germline.
Comment: In summary, the available evidence is currently insufficient to determine the role of this variant in disease. Therefore, it has been classified as a Variant of Uncertain Significance. Algorithms developed to predict the effect of missense changes on protein structure and function (SIFT, PolyPhen-2, Align-GVGD) all suggest that this variant is likely to be tolerated, but these predictions have not been confirmed by published functional studies and their clinical significance is uncertain. This variant has not been reported in the literature in individuals with CEBPA-related disease. The frequency data for this variant in the population databases is considered unreliable, as metrics indicate insufficient coverage at this position in the ExAC database. This sequence change replaces alanine with proline at codon 25 of the CEBPA protein (p.Ala25Pro). The alanine residue is weakly conserved and there is a small physicochemical difference between alanine and proline.

NM_004364.5(CEBPA):c.73G>C (p.Ala25Pro)

Gene: CEBPA (CCAAT enhancer binding protein alpha; minus strand). Cytogenetic location: 19q13.11.
Variant type: single nucleotide variant.
Coding change: c.73G>C on transcript NM_004364.5 (MANE Select); coding-DNA position 73, G replaced by C.
Protein change: p.Ala25Pro; replaces alanine 25 with proline.
Molecular consequence: missense variant. On other transcripts: 5 prime UTR variant (1).
Genome position (GRCh38, 1-based): chr19:33,302,342, C>G on the plus strand (G>C on the coding strand, the complement: CEBPA is on the minus strand). VCF-style: chr19-33302342-C-G. GRCh37 (hg19) VCF-style: chr19-33793248-C-G.
Other names: c.-285G>C (NM_001285829.2); c.178G>C, p.Ala60Pro (NM_001287424.2); c.31G>C, p.Ala11Pro (NM_001287435.2); short protein forms A11P, A25P, A60P.
Identifiers: ClinVar variation 664158 (VCV000664158.9), dbSNP rs1600024440, ClinGen allele CA405275733.
Genomic context (GRCh38, chr19:33,302,342, plus strand): 5'-GGGCGGGAGGCTGCGCGGGGCCCGCGCCCCGGGGAAAGCCGAAGGCGGCGCTGCTGGGCG[C>G]GTGCGGGGGGCTCTGCAGGTGGCTGCTCATCGGGGGCCGCGGCTCCGCCTCGTAGAAGTC-3'
Protein context (NP_004355.2, residues 15-35): MSSHLQSPPH[Ala25Pro]PSSAAFGFPR